The following is an entry in ClinVar:

ClinVar aggregate classification (germline): Uncertain significance (1 of 4 stars; one submission).

Allele frequency attached by ClinVar (database versions not stated): gnomAD exomes below 0.00001; TOPMed below 0.00001.
gnomAD v4.1: 5 of 1,613,914 alleles (0.00031%); highest among the groups gnomAD compares: Non-Finnish European, 0.00034%; no homozygotes.

Submission:

Labcorp Genetics (formerly Invitae), Labcorp
Classification: Uncertain significance. Last evaluated: 2024-08-08. Review status: criteria provided, single submitter. Criteria: Invitae Variant Classification Sherloc (09022015). Collection method: clinical testing. Allele origin: germline.
Comment: This sequence change replaces proline, which is neutral and non-polar, with serine, which is neutral and polar, at codon 1702 of the COL7A1 protein (p.Pro1702Ser). This variant is not present in population databases (gnomAD no frequency). This variant has not been reported in the literature in individuals affected with COL7A1-related conditions. ClinVar contains an entry for this variant (Variation ID: 2113609). Advanced modeling of protein sequence and biophysical properties (such as structural, functional, and spatial information, amino acid conservation, physicochemical variation, residue mobility, and thermodynamic stability) performed at Invitae indicates that this missense variant is not expected to disrupt COL7A1 protein function with a negative predictive value of 95%. In summary, the available evidence is currently insufficient to determine the role of this variant in disease. Therefore, it has been classified as a Variant of Uncertain Significance.

NM_000094.4(COL7A1):c.5104C>T (p.Pro1702Ser)

Gene: COL7A1 (collagen type VII alpha 1 chain; minus strand). Cytogenetic location: 3p21.31.
Variant type: single nucleotide variant.
Coding change: c.5104C>T on transcript NM_000094.4 (MANE Select); coding-DNA position 5104, C replaced by T.
Protein change: p.Pro1702Ser; replaces proline 1702 with serine.
Molecular consequence: missense variant.
Genome position (GRCh38, 1-based): chr3:48,580,051, G>A on the plus strand (C>T on the coding strand, the complement: COL7A1 is on the minus strand). VCF-style: chr3-48580051-G-A. GRCh37 (hg19) VCF-style: chr3-48617484-G-A.
Other names: short protein forms P1702S.
Identifiers: ClinVar variation 2113609 (VCV002113609.3), dbSNP rs2044631119, ClinGen allele CA352678495.